The following is an entry in ClinVar:

NM_152383.5(DIS3L2):c.1104C>G (p.Phe368Leu)

Gene: DIS3L2 (DIS3 like 3'-5' exoribonuclease 2; plus strand). Cytogenetic location: 2q37.1.
Variant type: single nucleotide variant.
Coding change: c.1104C>G on transcript NM_152383.5 (MANE Select); coding-DNA position 1104, C replaced by G.
Protein change: p.Phe368Leu; replaces phenylalanine 368 with leucine.
Molecular consequence: missense variant. On other transcripts: non-coding transcript variant (2).
Genome position (GRCh38, 1-based): chr2:232,163,612, C>G. VCF-style: chr2-232163612-C-G. GRCh37 (hg19) VCF-style: chr2-233028322-C-G.
Other names: c.1104C>G, p.Phe368Leu (NM_001257281.2); short protein forms F368L.
Identifiers: ClinVar variation 1372401 (VCV001372401.8), dbSNP rs1394751981, ClinGen allele CA351154487.
Genomic context (GRCh38, chr2:232,163,612, plus strand): 5'-TTCAGAAGTTCTAGAATGTCTTCCTCAAGGCCTGCCATGGACAATTCCACCAGAGGAGTT[C>G]AGCAAGAGAAGGGATTTAAGGTAAGCACCTGAAACCCTTTAAGAACGTATATCTCCCTTT-3'
Protein context (NP_689596.4, residues 358-378): GLPWTIPPEE[Phe368Leu]SKRRDLRKDC

ClinVar aggregate classification (germline): Uncertain significance (1 of 4 stars; one submission).

Conditions:
Perlman syndrome (PRLMNS). Identifiers: Orphanet 2849, MedGen C0796113, MONDO:0009965, OMIM 267000.

Submission:

Labcorp Genetics (formerly Invitae), Labcorp
Classification: Uncertain significance for Perlman syndrome. Last evaluated: 2021-02-14. Review status: criteria provided, single submitter. Criteria: Invitae Variant Classification Sherloc (09022015). Collection method: clinical testing. Allele origin: germline.
Comment: This variant has not been reported in the literature in individuals with DIS3L2-related conditions. Algorithms developed to predict the effect of missense changes on protein structure and function output the following: SIFT: "Tolerated"; PolyPhen-2: "Benign"; Align-GVGD: "Class C0". The leucine amino acid residue is found in multiple mammalian species, suggesting that this missense change does not adversely affect protein function. These predictions have not been confirmed by published functional studies and their clinical significance is uncertain. In summary, the available evidence is currently insufficient to determine the role of this variant in disease. Therefore, it has been classified as a Variant of Uncertain Significance. This sequence change replaces phenylalanine with leucine at codon 368 of the DIS3L2 protein (p.Phe368Leu). The phenylalanine residue is weakly conserved and there is a small physicochemical difference between phenylalanine and leucine. This variant is not present in population databases (ExAC no frequency).